The following is an entry in ClinVar:

GRCh38/hg38 15q11.2(chr15:22591732-23102647)x1

Genes: CYFIP1 (cytoplasmic FMR1 interacting protein 1; minus strand), NIPA1 (NIPA magnesium transporter 1; plus strand), NIPA2 (NIPA magnesium transporter 2; plus strand), TUBGCP5 (tubulin gamma complex component 5; minus strand), LOC112272575 (Sharpr-MPRA regulatory region 8478; plus strand) and 15 more. Cytogenetic location: 15q11.2.
Variant type: copy number loss.
Change: copy number 1 (one copy instead of two) of chr15:22,591,732-23,102,647 (510.9 kb, GRCh38 coordinates, 1-based), cytogenetic band 15q11.2.
Identifiers: ClinVar variation 155651 (VCV000155651.2).

ClinVar aggregate classification (germline): conflicting data from submitters (0 of 4 stars; one submission).

Submission:

ISCA site 1
Classification: conflicting data from submitters. Last evaluated: 2015-08-12. Review status: no assertion criteria provided. Collection method: clinical testing. Allele origin: maternal, paternal, unknown. Affected: yes. Observed: 6 variant alleles. Clinical features observed: Single umbilical artery (HP:0001195), Intrauterine growth retardation (HP:0001511), Pulmonary artery atresia (HP:0004935), Hypoplastic right heart (HP:0010954), Macrocephaly (HP:0000256), Autistic behavior (HP:0000729), Hyperpigmentation of the skin (HP:0000953), Memory impairment (HP:0002354), Attention deficit hyperactivity disorder (HP:0007018), Hypersomnia (HP:0100786), Global developmental delay (HP:0001263), Pes planus (HP:0001763), and 3 more.
Comment: Uncertain significance(3), Likely benign (3)

Copy number variation identified through the course of routine clinical cytogenomic testing in postnatal populations, with clinical assertions as classified by the original submitter. For data from the original published study, Kaminsky, et al. 2011 (PubMed 21844811), please see nstd101.